The following is an entry in ClinVar:

ClinVar aggregate classification (germline): Likely benign (1 of 4 stars; one submission).

gnomAD v4.1: 1 of 1,613,672 alleles (0.000062%); highest among the groups gnomAD compares: Non-Finnish European, 0.000085%; no homozygotes.

Submission:

CeGaT Center for Human Genetics Tuebingen
Classification: Likely benign. Last evaluated: 2026-04-01. Review status: criteria provided, single submitter. Criteria: CeGaT Center For Human Genetics Tuebingen Variant Classification Criteria Version 2. Collection method: clinical testing. Allele origin: germline. Affected: yes. Observed: 1 variant allele.
Comment: VPS13B: BP4, BP7

NM_152564.5(VPS13B):c.5952T>C (p.Val1984=)

Gene: VPS13B (vacuolar protein sorting 13 homolog B; plus strand). Cytogenetic location: 8q22.2.
Variant type: single nucleotide variant.
Coding change: c.5952T>C on transcript NM_152564.5 (MANE Select); coding-DNA position 5952, T replaced by C.
Protein change: p.Val1984=; no amino-acid change (valine 1984 retained).
Molecular consequence: synonymous variant.
Genome position (GRCh38, 1-based): chr8:99,661,397, T>C. VCF-style: chr8-99661397-T-C. GRCh37 (hg19) VCF-style: chr8-100673625-T-C.
Other names: c.6027T>C, p.Val2009= (NM_017890.5).
Identifiers: ClinVar variation 4873593 (VCV004873593.2).